The following is an entry in ClinVar:

ClinVar aggregate classification (germline): Uncertain significance (1 of 4 stars; one submission).

gnomAD v4.1: 1 of 1,614,144 alleles (0.000062%); no homozygotes.

Submission:

CeGaT Center for Human Genetics Tuebingen
Classification: Uncertain significance. Last evaluated: 2024-02-01. Review status: criteria provided, single submitter. Criteria: CeGaT Center For Human Genetics Tuebingen Variant Classification Criteria Version 2. Collection method: clinical testing. Allele origin: germline. Affected: yes. Observed: 1 variant allele.
Comment: EVC2: PM2:Supporting, BP4

NM_147127.5(EVC2):c.568A>G (p.Asn190Asp)

Gene: EVC2 (EvC ciliary complex subunit 2; minus strand). Cytogenetic location: 4p16.2.
Variant type: single nucleotide variant.
Coding change: c.568A>G on transcript NM_147127.5 (MANE Select); coding-DNA position 568, A replaced by G.
Protein change: p.Asn190Asp; replaces asparagine 190 with aspartic acid.
Molecular consequence: missense variant.
Genome position (GRCh38, 1-based): chr4:5,689,295, T>C on the plus strand (A>G on the coding strand, the complement: EVC2 is on the minus strand). VCF-style: chr4-5689295-T-C. GRCh37 (hg19) VCF-style: chr4-5691022-T-C.
Other names: c.328A>G, p.Asn110Asp (NM_001166136.2); short protein forms N110D, N190D.
Identifiers: ClinVar variation 3026055 (VCV003026055.22), dbSNP rs1560228153, ClinGen allele CA356148588.